The following is an entry in ClinVar:

NM_024570.4(RNASEH2B):c.65-13G>A

Gene: RNASEH2B (ribonuclease H2 subunit B; plus strand). Cytogenetic location: 13q14.3.
Variant type: single nucleotide variant.
Coding change: c.65-13G>A on transcript NM_024570.4 (MANE Select); 13 bases into the intron before coding-DNA position 65, G replaced by A.
Molecular consequence: intron variant.
Genome position (GRCh38, 1-based): chr13:50,927,394, G>A. VCF-style: chr13-50927394-G-A. GRCh37 (hg19) VCF-style: chr13-51501530-G-A.
Other names: c.65-13G>A (NM_001142279.2).
Identifiers: ClinVar variation 992865 (VCV000992865.9), dbSNP rs1176797481, ClinGen allele CA609907940.

ClinVar aggregate classification (germline): Pathogenic/Likely pathogenic. Review status: criteria provided, multiple submitters, no conflicts (2 of 4 stars). 6 submissions from 6 submitters: Pathogenic (3); Likely pathogenic (3). Last evaluated 2026-08-31.

Conditions:
Aicardi-Goutieres syndrome 2. Identifiers: Orphanet 51, MedGen C3489724, MONDO:0012429, OMIM 610181.
RNASEH2B-related disorder. Also called: RNASEH2B-related condition.

Allele frequency attached by ClinVar (database versions not stated): gnomAD exomes below 0.00001 and 0.00001; gnomAD 0.00001; TOPMed 0.00001.
gnomAD v4.1: 16 of 1,490,634 alleles (0.0011%); highest among the groups gnomAD compares: East Asian, 0.0023%; no homozygotes.

Submissions (6):

Myriad Genetics, Inc.
Classification: Likely pathogenic for Aicardi-Goutieres syndrome 2. Last evaluated: 2026-08-31. Review status: criteria provided, single submitter. Criteria: Myriad Autosomal Dominant, Autosomal Recessive and X-Linked Classification Criteria (2023). Collection method: clinical testing. Allele origin: unknown.
Comment: NM_024570.3(RNASEH2B):c.65-13G>A is an intronic variant classified as likely pathogenic in the context of Aicardi-Goutires syndrome, RNASEH2B-related. c.65-13G>A has been observed in cases with relevant disease (PMID: 24183309, 39183359, 33981319). Relevant functional assessments of this variant are available in the literature (PMID: 33981319). c.65-13G>A has been observed in referenced population frequency databases. In summary, NM_024570.3(RNASEH2B):c.65-13G>A is an intronic variant that has been observed more frequently in cases with the relevant disease than in healthy populations. Please note: this variant was assessed in the context of healthy population screening.

Labcorp Genetics (formerly Invitae), Labcorp
Classification: Pathogenic for Aicardi-Goutieres syndrome 2. Last evaluated: 2026-01-30. Review status: criteria provided, single submitter. Criteria: Invitae Variant Classification Sherloc (09022015). Collection method: clinical testing. Allele origin: germline.
Comment: This sequence change falls in intron 1 of the RNASEH2B gene. It does not directly change the encoded amino acid sequence of the RNASEH2B protein. RNA analysis indicates that this variant induces altered splicing and may result in an absent or altered protein product. This variant is present in population databases (no rsID available, gnomAD 0.0009%). This variant has been observed in individuals with Aicardi-Goutieres syndrome (PMID: 24183309, 33307271, 33981319, 39183359, 40750230). ClinVar contains an entry for this variant (Variation ID: 992865). Studies have shown that this variant results in activation of a cryptic splice site, and produces a non-functional protein and/or introduces a premature termination codon (PMID: 33981319). For these reasons, this variant has been classified as Pathogenic.

3billion
Classification: Likely pathogenic for Aicardi-Goutieres syndrome 2. Last evaluated: 2026-01-13. Review status: criteria provided, single submitter. Criteria: ACMG Guidelines, 2015. Collection method: clinical testing. Allele origin: germline. Affected: yes.
Comment: The variant is observed at an extremely low frequency in the gnomAD v4.1.0 dataset (total allele frequency: 0.001%). Predicted Consequence/Location: Intron variant In silico tools predict the variant to alter splicing and produce an abnormal transcript [SpliceAI: 0.75 (>=0.2, moderate evidence for spliceogenicity)]. The variant has been reported at least twice as pathogenic with clinical assertions and evidence for the classification (ClinVar ID: VCV000992865 /PMID: 24183309). Therefore, this variant is classified as Likely pathogenic according to the recommendation of ACMG/AMP guideline.

Victorian Clinical Genetics Services, Murdoch Childrens Research Institute
Classification: Pathogenic for Aicardi-Goutieres syndrome 2. Last evaluated: 2024-11-20. Review status: criteria provided, single submitter. Criteria: ACMG Guidelines, 2015. Collection method: clinical testing. Allele origin: germline. Affected: yes.
Comment: This variant is classified as Pathogenic. Evidence in support of pathogenic classification: Non-coding variant with predicted effect. Mini-gene studies suggest that this variant introduces a cryptic splice site in intron 1 of RNASEH2B, subsequently creating a frameshift which would result in a protein that would be predicted to undergo nonsense-mediated decay (PMID: 33981319); Variant is present in gnomAD <0.01 for a recessive condition (v4: 16 heterozygote(s), 0 homozygote(s)); This variant has strong previous evidence of pathogenicity in unrelated individuals. This variant has been classified as likely pathogenic by two clinical laboratories in ClinVar, and reported in the literature in homozygous and compound heterozygous individuals with Aicardi-Goutieres syndrome 2 (PMIDs: 25604658, 33981319, 33721182, 33307271, 39183359); Heterozygous variant detected in trans with a second PATHOGENIC heterozygous variant, NM_024570.4(RNASEH2B):c.529G>A; p.(Ala177Thr), in a recessive disease. Additional information: This variant is heterozygous; This gene is associated with autosomal recessive disease; Loss of function is a known mechanism of disease in this gene and is associated with Aicardi-Goutieres syndrome 2 (MIM#610181); Variants in this gene are known to have variable expressivity. Severity varies among patients (OMIM, PMID: 32258229).

Blueprint Genetics
Classification: Pathogenic for RNASEH2B-related disorders. Last evaluated: 2022-05-17. Review status: criteria provided, single submitter. Criteria: ACMG Guidelines, 2015. Collection method: clinical testing. Allele origin: germline. Affected: yes. Observed: 1 variant allele.

Laboratoire de Génétique Moléculaire, CHU Bordeaux
Classification: Likely pathogenic. Review status: criteria provided, single submitter. Criteria: ACMG Guidelines, 2015. Collection method: clinical testing. Allele origin: germline. Affected: yes.

Literature cited by the submitters: PubMed 24183309 (cited by 3 submitters); PubMed 33981319 (cited by 3 submitters); PubMed 39183359 (cited by 3 submitters); PubMed 33307271 (cited by Labcorp Genetics (formerly Invitae), Labcorp and Victorian Clinical Genetics Services, Murdoch Childrens Research Institute); PubMed 40750230 (cited by Labcorp Genetics (formerly Invitae), Labcorp); PubMed 32258229 (cited by Victorian Clinical Genetics Services, Murdoch Childrens Research Institute); PubMed 33721182 (cited by Victorian Clinical Genetics Services, Murdoch Childrens Research Institute); PubMed 25604658 (cited by Victorian Clinical Genetics Services, Murdoch Childrens Research Institute).